The following is an entry in ClinVar:

ClinVar aggregate classification (germline): Conflicting classifications of pathogenicity. Review status: criteria provided, conflicting classifications (1 of 4 stars). 3 submissions from 3 submitters: Uncertain significance (1); Likely benign (1). 1 of the submissions does not count toward it. Last evaluated 2025-11-20.

Conditions:
Oto-palato-digital syndrome, type II (OPD2). Also called: Otopalatodigital Syndrome, Type II; FACIOPALATOOSSEOUS SYNDROME; OPD II SYNDROME; Otopalatodigital Syndrome Type 2 (FLNA-OPD2). Identifiers: Orphanet 669, Orphanet 90652, MedGen C1844696, MONDO:0010571, OMIM 304120.
Frontometaphyseal dysplasia (FMD1). Identifiers: Orphanet 1826, MedGen C0265293, MONDO:0015942.
Heterotopia, periventricular, X-linked dominant (PVNH1). Also called: PERIVENTRICULAR NODULAR HETEROTOPIA 1; X-linked periventricular heterotopia; PERIVENTRICULAR NODULAR HETEROTOPIA 4; HETEROTOPIA, PERIVENTRICULAR, 1. Identifiers: Orphanet 2149, Orphanet 82004, MedGen C1848213, MONDO:0010233, OMIM 300049.
Melnick-Needles syndrome (MNS). Also called: MELNICK-NEEDLES OSTEODYSPLASTY; OSTEODYSPLASTY OF MELNICK AND NEEDLES; Melnick-Needles Syndrome (FLNA-MNS). Identifiers: Orphanet 2484, MedGen C0025237, MONDO:0010650, OMIM 309350.
Familial thoracic aortic aneurysm and aortic dissection (TAAD). Also called: Thoracic aortic aneurysms and dissections. Identifiers: Orphanet 91387, MedGen C4707243, MONDO:0019625.
Microcephaly. Also called: Microcephaly (disease). Identifiers: MedGen C4551563, MONDO:0001149, HP:0000252.

Allele frequency attached by ClinVar (database versions not stated): 1000 Genomes Project 0.00053; 1000 Genomes Project 30x 0.00083; gnomAD exomes 0.00001 and 0.00004; ExAC 0.00005; TOPMed 0.00009; gnomAD 0.00010 and 0.00011.
gnomAD v4.1: 24 of 1,210,153 alleles (0.002%); highest among the groups gnomAD compares: African/African-American, 0.014%; no homozygotes.

Submissions (3):

Labcorp Genetics (formerly Invitae), Labcorp
Classification: Likely benign for Oto-palato-digital syndrome, type II; Heterotopia, periventricular, X-linked dominant; Frontometaphyseal dysplasia; Melnick-Needles syndrome. Last evaluated: 2025-11-20. Review status: criteria provided, single submitter. Criteria: Invitae Variant Classification Sherloc (09022015). Collection method: clinical testing. Allele origin: germline.

Ambry Genetics
Classification: Uncertain significance for Familial thoracic aortic aneurysm and aortic dissection. Last evaluated: 2025-09-24. Review status: criteria provided, single submitter. Criteria: Ambry Variant Classification Scheme 2023. Collection method: clinical testing. Allele origin: germline.
Comment: The c.1771G>A (p.V591I) alteration is located in exon 12 (coding exon 11) of the FLNA gene. This alteration results from a G to A substitution at nucleotide position 1771, causing the valine (V) at amino acid position 591 to be replaced by an isoleucine (I). Based on data from gnomAD, the A allele has an overall frequency of 0.004% (9/203487) total alleles studied, with 3 hemizygote(s) observed. The highest observed frequency was 0.021% (3/14543) of East Asian alleles. This amino acid position is well conserved in available vertebrate species. The in silico prediction for this alteration is inconclusive. Based on insufficient or conflicting evidence, the clinical significance of this alteration remains unclear.

Department of Pediatrics, Samsung Medical Center, Samsung Medical Center
Classification: Uncertain significance for Microcephaly. Review status: no assertion criteria provided. Criteria: ACMG Guidelines, 2015. Collection method: research. Allele origin: germline. Affected: yes. Not counted in ClinVar's aggregate classification.

NM_001110556.2(FLNA):c.1771G>A (p.Val591Ile)

Gene: FLNA (filamin A; minus strand). Cytogenetic location: Xq28.
Variant type: single nucleotide variant.
Coding change: c.1771G>A on transcript NM_001110556.2 (MANE Select); coding-DNA position 1771, G replaced by A.
Protein change: p.Val591Ile; replaces valine 591 with isoleucine.
Molecular consequence: missense variant.
Genome position (GRCh38, 1-based): chrX:154,364,878, C>T on the plus strand (G>A on the coding strand, the complement: FLNA is on the minus strand). VCF-style: chrX-154364878-C-T. GRCh37 (hg19) VCF-style: chrX-153593246-C-T.
Other names: c.1771G>A, p.Val591Ile (NM_001456.4); short protein forms V591I.
Identifiers: ClinVar variation 213499 (VCV000213499.16), dbSNP rs200673062, ClinGen allele CA325283.